The following is an entry in ClinVar:

ClinVar aggregate classification (germline): Benign (1 of 4 stars; one submission).

Conditions:
Leigh syndrome (NULS). Also called: Leigh's necrotizing encephalopathy; Leigh's disease; Leigh Syndrome (mtDNA deletion); Leigh Disease; Subacute necrotizing encephalopathy; Necrotizing encephalopathy infantile subacute of Leigh. Identifiers: Orphanet 506, MedGen C2931891, MONDO:0009723, OMIM 256000.

Submission:

Wong Mito Lab, Molecular and Human Genetics, Baylor College of Medicine
Classification: Benign for Leigh syndrome. Last evaluated: 2019-10-17. Review status: criteria provided, single submitter. Criteria: Modified ACMG Guidelines (Unpublished). Collection method: clinical testing. Allele origin: germline.
Comment: The NC_012920.1:m.9448A>G (YP_003024032.1:p.Tyr81Cys) variant in MTCO3 gene is interpretated to be a Benign variant based on the modified ACMG guidelines (unpublished). This variant meets the following evidence codes: BS1, BS4

NC_012920.1(MT-CO3):m.9448A>G

Gene: MT-CO3 (mitochondrially encoded cytochrome c oxidase III; plus strand).
Variant type: single nucleotide variant.
Genome position: chrM-9448-A-G.
Identifiers: ClinVar variation 693164 (VCV000693164.1), dbSNP rs1603222312, ClinGen allele CA414802965.
Genomic context (GRCh38, chrMT:9,448, plus strand): 5'-TAACACGAGAAAGCACATACCAAGGCCACCACACACCACCTGTCCAAAAAGGCCTTCGAT[A>G]CGGGATAATCCTATTTATTACCTCAGAAGTTTTTTTCTTCGCAGGATTTTTCTGAGCCTT-3'